The following is an entry in ClinVar:

NM_002303.6(LEPR):c.1232A>G (p.Tyr411Cys)

Gene: LEPR (leptin receptor; plus strand). Cytogenetic location: 1p31.3.
Variant type: single nucleotide variant.
Coding change: c.1232A>G on transcript NM_002303.6 (MANE Select); coding-DNA position 1232, A replaced by G.
Protein change: p.Tyr411Cys; replaces tyrosine 411 with cysteine.
Molecular consequence: missense variant.
Genome position (GRCh38, 1-based): chr1:65,601,629, A>G. VCF-style: chr1-65601629-A-G. GRCh37 (hg19) VCF-style: chr1-66067312-A-G.
Other names: c.1232A>G, p.Tyr411Cys (NM_001003679.3, NM_001003680.3, NM_001198687.2 and 2 more transcripts); short protein forms Y411C.
Identifiers: ClinVar variation 3639329 (VCV003639329.4).

ClinVar aggregate classification (germline): Conflicting classifications of pathogenicity. Review status: criteria provided, conflicting classifications (1 of 4 stars). 2 submissions from 2 submitters: Likely pathogenic (1); Uncertain significance (1). Last evaluated 2026-04-09.

Conditions:
Obesity due to leptin receptor gene deficiency. Identifiers: Orphanet 179494, MedGen C3554225, MONDO:0013992, OMIM 614963.

gnomAD v4.1: 1 of 1,613,728 alleles (0.000062%); highest among the groups gnomAD compares: South Asian, 0.0011%; no homozygotes.

Submissions (2):

Victorian Clinical Genetics Services, Murdoch Childrens Research Institute
Classification: Likely pathogenic for Obesity due to leptin receptor gene deficiency. Last evaluated: 2026-04-09. Review status: criteria provided, single submitter. Criteria: ACMG Guidelines, 2015. Collection method: clinical testing. Allele origin: germline. Affected: yes.
Comment: This variant is classified as Likely pathogenic. Evidence in support of pathogenic classification: Variant is present in gnomAD <0.01 for a recessive condition (v4: 1 heterozygote(s), 0 homozygote(s)); This variant has limited previous evidence of pathogenicity in an unrelated individual(s). This variant has been classified as VUS by a clinical laboratory in ClinVar, and reported in the literature in multiple homozygous individuals from one family with severe early-onset obesity (Rai et al., 2024); This variant has moderate evidence for segregation with disease. This variant has been shown to segregate with severe early-onset obesity in multiple affected individuals from one consanguineous family (Rai et al., 2024); Another variant comparable to the one identified in this case has limited previous evidence for pathogenicity. p.(Tyr411del) has been reported in the literature in a compound heterozygous individual with severe early-onset obesity (PMID: 33221380); Missense variant predicted to be damaging by in silico tool(s) or highly conserved with a major amino acid change; Strong phenotype match for this individual. Additional information: Variant is predicted to result in a missense amino acid change from Tyr to Cys; This variant is homozygous; This gene is associated with autosomal recessive disease; No published functional evidence has been identified for this variant; Variant is located in the annotated Ig-like C2-type domain (DECIPHER); Loss of function is a known mechanism of disease in this gene and is associated with morbid obesity due to leptin receptor deficiency (MIM#614963); This variant has been shown to be both maternally and paternally inherited (biallelic).

Labcorp Genetics (formerly Invitae), Labcorp
Classification: Uncertain significance. Last evaluated: 2024-03-24. Review status: criteria provided, single submitter. Criteria: Invitae Variant Classification Sherloc (09022015). Collection method: clinical testing. Allele origin: germline.
Comment: This sequence change replaces tyrosine, which is neutral and polar, with cysteine, which is neutral and slightly polar, at codon 411 of the LEPR protein (p.Tyr411Cys). This variant is not present in population databases (gnomAD no frequency). This variant has not been reported in the literature in individuals affected with LEPR-related conditions. Advanced modeling of protein sequence and biophysical properties (such as structural, functional, and spatial information, amino acid conservation, physicochemical variation, residue mobility, and thermodynamic stability) performed at Invitae indicates that this missense variant is expected to disrupt LEPR protein function with a positive predictive value of 80%. In summary, the available evidence is currently insufficient to determine the role of this variant in disease. Therefore, it has been classified as a Variant of Uncertain Significance.

Literature cited by the submitters: PubMed 33221380 (cited by Victorian Clinical Genetics Services, Murdoch Childrens Research Institute).